The following is an entry in ClinVar:

NM_001273.5(CHD4):c.4472A>G (p.His1491Arg)

Genes: CHD4 (chromodomain helicase DNA binding protein 4; minus strand), CHD4-AS1 (CHD4 antisense RNA 1; plus strand). Cytogenetic location: 12p13.31.
Variant type: single nucleotide variant.
Coding change: c.4472A>G on transcript NM_001273.5 (MANE Select); coding-DNA position 4472, A replaced by G.
Protein change: p.His1491Arg; replaces histidine 1491 with arginine.
Molecular consequence: missense variant.
Genome position (GRCh38, 1-based): chr12:6,582,180, T>C on the plus strand (A>G on the coding strand, the complement: CHD4 is on the minus strand). VCF-style: chr12-6582180-T-C. GRCh37 (hg19) VCF-style: chr12-6691346-T-C.
Other names: c.4451A>G, p.His1484Arg (NM_001297553.2); c.4433A>G, p.His1478Arg (NM_001363606.2); short protein forms H1478R, H1484R, H1491R.
Identifiers: ClinVar variation 1708740 (VCV001708740.3), dbSNP rs1194324794, ClinGen allele CA383572260.

ClinVar aggregate classification (germline): Uncertain significance (1 of 4 stars; one submission).

Submission:

GeneDx
Classification: Uncertain significance. Last evaluated: 2024-11-18. Review status: criteria provided, single submitter. Criteria: GeneDx Variant Classification Process June 2021. Collection method: clinical testing. Allele origin: germline. Affected: yes.
Comment: Not observed at significant frequency in large population cohorts (gnomAD); In silico analysis supports that this missense variant has a deleterious effect on protein structure/function; Has not been previously published as pathogenic or benign to our knowledge